The following is an entry in ClinVar:

NM_001953.5(TYMP):c.26C>G (p.Thr9Ser)

Gene: TYMP (thymidine phosphorylase; minus strand). Cytogenetic location: 22q13.33.
Variant type: single nucleotide variant.
Coding change: c.26C>G on transcript NM_001953.5 (MANE Select); coding-DNA position 26, C replaced by G.
Protein change: p.Thr9Ser; replaces threonine 9 with serine.
Molecular consequence: missense variant.
Genome position (GRCh38, 1-based): chr22:50,529,684, G>C on the plus strand (C>G on the coding strand, the complement: TYMP is on the minus strand). VCF-style: chr22-50529684-G-C. GRCh37 (hg19) VCF-style: chr22-50968113-G-C.
Other names: c.26C>G, p.Thr9Ser (NM_001113755.3, NM_001113756.3, NM_001257988.1 and 1 more transcripts); short protein forms T9S.
Identifiers: ClinVar variation 2137900 (VCV002137900.2), dbSNP rs2069521736, ClinGen allele CA412203152.

ClinVar aggregate classification (germline): Uncertain significance. Review status: criteria provided, multiple submitters, no conflicts (2 of 4 stars). 2 submissions from 2 submitters: Uncertain significance (2). Last evaluated 2026-08-06.

Conditions:
Mitochondrial DNA depletion syndrome 1. Also called: Mitochondrial DNA depletion syndrome 1 (MNGIE type); Mitochondrial neurogastrointestinal encephalomyopathy syndrome; POLIP SYNDROME; POLYNEUROPATHY, OPHTHALMOPLEGIA, LEUKOENCEPHALOPATHY, AND INTESTINAL PSEUDOOBSTRUCTION; Mitochondrial Neurogastrointestinal Encephalopathy Disease; MITOCHONDRIAL NEUROGASTROINTESTINAL ENCEPHALOPATHY SYNDROME, TYMP-RELATED. Identifiers: Orphanet 298, MedGen C4551995, MONDO:0011283, OMIM 603041.

Allele frequency attached by ClinVar (database versions not stated): TOPMed below 0.00001.
gnomAD v4.1: 2 of 1,611,326 alleles (0.00012%); highest among the groups gnomAD compares: Non-Finnish European, 0.00017%; no homozygotes.

Submissions (2):

OLLIN Analises Genomicas, OLLIN
Classification: Uncertain significance for Mitochondrial DNA depletion syndrome 1. Last evaluated: 2026-08-06. Review status: criteria provided, single submitter. Criteria: ACMG Guidelines 2015 PMID 25741868. Collection method: clinical testing. Allele origin: germline.
Comment: This missense variant, located in exon 2 (of 10), has been reported in ClinVar (accession VCV002137900.1) and in gnomAD with an allele frequency of 0.00012%. However, to our knowledge, it has not been reported in the scientific literature. In silico analysis predicts that this variant has a tolerated effect. According to the currently available evidence, this variant has been classified as uncertain significance (PM2_P, BP4).

Labcorp Genetics (formerly Invitae), Labcorp
Classification: Uncertain significance. Last evaluated: 2022-08-15. Review status: criteria provided, single submitter. Criteria: Invitae Variant Classification Sherloc (09022015). Collection method: clinical testing. Allele origin: germline.
Comment: This sequence change replaces threonine, which is neutral and polar, with serine, which is neutral and polar, at codon 9 of the TYMP protein (p.Thr9Ser). This variant is not present in population databases (gnomAD no frequency). This variant has not been reported in the literature in individuals affected with TYMP-related conditions. Advanced modeling of protein sequence and biophysical properties (such as structural, functional, and spatial information, amino acid conservation, physicochemical variation, residue mobility, and thermodynamic stability) performed at Invitae indicates that this missense variant is not expected to disrupt TYMP protein function. In summary, the available evidence is currently insufficient to determine the role of this variant in disease. Therefore, it has been classified as a Variant of Uncertain Significance.